The following is an entry in ClinVar:

ClinVar aggregate classification (germline): Pathogenic (1 of 4 stars; one submission).

Submission:

Labcorp Genetics (formerly Invitae), Labcorp
Classification: Pathogenic. Last evaluated: 2024-12-05. Review status: criteria provided, single submitter. Criteria: Invitae Variant Classification Sherloc (09022015). Collection method: clinical testing. Allele origin: germline.
Comment: This sequence change creates a premature translational stop signal (p.Lys1409Asnfs*39) in the TET2 gene. It is expected to result in an absent or disrupted protein product. Loss-of-function variants in TET2 are known to be pathogenic (PMID: 36066697). This variant is not present in population databases (gnomAD no frequency). This variant has not been reported in the literature in individuals affected with TET2-related conditions. For these reasons, this variant has been classified as Pathogenic.

Literature cited by the submitters: PubMed 36066697.

NM_001127208.3(TET2):c.4227del (p.Lys1409fs)

Genes: TET2 (tet methylcytosine dioxygenase 2; plus strand), TET2-AS1 (TET2 antisense RNA 1; minus strand). Cytogenetic location: 4q24.
Variant type: Deletion.
Coding change: c.4227del on transcript NM_001127208.3 (MANE Select); coding-DNA position 4227, one base deleted (A; older notation c.4227delA).
Protein change: p.Lys1409fs; shifts the reading frame from lysine 1409.
Molecular consequence: frameshift variant.
Genome position (GRCh38, 1-based): chr4:105,272,608, A deleted; the last of 4 consecutive A bases (chr4:105,272,605-105,272,608); deleting any one gives the same sequence. VCF-style (leftmost placement, unchanged base first): chr4-105272604-GA-G. GRCh37 (hg19) VCF-style: chr4-106193761-GA-G.
Other names: short protein forms K1409fs.
Identifiers: ClinVar variation 3726664 (VCV003726664.2).